The following is an entry in ClinVar:

Conditions:
Long QT syndrome 5 (LQT5). Identifiers: Orphanet 101016, Orphanet 768, MedGen C1867904, MONDO:0013372, OMIM 613695.

Submission:

Roden Lab, Vanderbilt University Medical Center
No classification provided (evidence only). Condition: Long QT syndrome 5. Review status: no classification provided. Collection method: in vitro. Allele origin: not applicable. Functional consequence: Effect on ion channel function.
ClinVar note: "not provided" was previously submitted as the classification for the variant. However, the classification appeared to be based only on an observation of functional data so it was converted to no classification on 2025-07-30.

NM_000219.6(KCNE1):c.344T>C (p.Ile115Thr)

Gene: KCNE1 (potassium voltage-gated channel subfamily E regulatory subunit 1; minus strand). Cytogenetic location: 21q22.12.
Variant type: single nucleotide variant.
Coding change: c.344T>C on transcript NM_000219.6 (MANE Select); coding-DNA position 344, T replaced by C.
Protein change: p.Ile115Thr; replaces isoleucine 115 with threonine.
Molecular consequence: missense variant.
Genome position (GRCh38, 1-based): chr21:34,449,291, A>G on the plus strand (T>C on the coding strand, the complement: KCNE1 is on the minus strand). VCF-style: chr21-34449291-A-G. GRCh37 (hg19) VCF-style: chr21-35821589-A-G.
Other names: c.344T>C, p.Ile115Thr (NM_001127668.4, NM_001127669.4, NM_001127670.4 and 4 more transcripts); short protein forms I115T.
Identifiers: ClinVar variation 3373777 (VCV003373777.2).
Genomic context (GRCh38, chr21:34,449,291, plus strand): 5'-GCCAGTGGTGGGGTTCATGGGGAAGGCTTCGTCTCAGGAAGGTGTGTGTTGGGTTGTTCT[A>G]TGGCCAGATGGTTTTCAACGACATAGCACGACCTGTAGCTCTCCAGGACCCGGGCCTGGA-3'
Protein context (NP_000210.2, residues 105-125): SCYVVENHLA[Ile115Thr]EQPNTHLPET